The following is an entry in ClinVar:

NM_000257.4(MYH7):c.495G>C (p.Met165Ile)

Gene: MYH7 (myosin heavy chain 7; minus strand). Cytogenetic location: 14q11.2.
Variant type: single nucleotide variant.
Coding change: c.495G>C on transcript NM_000257.4 (MANE Select); coding-DNA position 495, G replaced by C.
Protein change: p.Met165Ile; replaces methionine 165 with isoleucine.
Molecular consequence: missense variant.
Genome position (GRCh38, 1-based): chr14:23,432,646, C>G on the plus strand (G>C on the coding strand, the complement: MYH7 is on the minus strand). VCF-style: chr14-23432646-C-G. GRCh37 (hg19) VCF-style: chr14-23901855-C-G.
Other names: short protein forms M165I.
Identifiers: ClinVar variation 1505074 (VCV001505074.6), dbSNP rs1555338758, ClinGen allele CA389052698.

ClinVar aggregate classification (germline): Likely pathogenic (1 of 4 stars; one submission).

Conditions:
Hypertrophic cardiomyopathy. Also called: HYPERTROPHIC MYOCARDIOPATHY. Identifiers: Orphanet 217569, MedGen C0007194, MeSH D002312, MONDO:0005045, HP:0001639.

Submission:

Labcorp Genetics (formerly Invitae), Labcorp
Classification: Likely pathogenic for Hypertrophic cardiomyopathy. Last evaluated: 2021-12-03. Review status: criteria provided, single submitter. Criteria: Invitae Variant Classification Sherloc (09022015). Collection method: clinical testing. Allele origin: germline.
Comment: This sequence change replaces methionine, which is neutral and non-polar, with isoleucine, which is neutral and non-polar, at codon 165 of the MYH7 protein (p.Met165Ile). This variant is not present in population databases (gnomAD no frequency). A different variant (c.495G>A) giving rise to the same protein effect has been determined to be pathogenic (PMID: 29447731; Invitae). This suggests that this variant is also likely to be causative of disease. Algorithms developed to predict the effect of missense changes on protein structure and function are either unavailable or do not agree on the potential impact of this missense change (SIFT: "Deleterious"; PolyPhen-2: "Possibly Damaging"; Align-GVGD: "Class C0"). In summary, the currently available evidence indicates that the variant is pathogenic, but additional data are needed to prove that conclusively. Therefore, this variant has been classified as Likely Pathogenic.

Literature cited by the submitters: PubMed 29447731.